The following is an entry in ClinVar:

ClinVar aggregate classification (germline): Likely pathogenic (1 of 4 stars; one submission).

Conditions:
Gaucher disease. Also called: Acute cerebral Gaucher disease; Cerebroside lipidosis syndrome; Gaucher splenomegaly; Sphingolipidosis 1; Glucocerebrosidosis; Glucosylceramidase deficiency. Identifiers: Orphanet 355, MedGen C0017205, MONDO:0018150.

Submission:

Natera, Inc.
Classification: Likely pathogenic for Gaucher disease. Last evaluated: 2025-02-24. Review status: criteria provided, single submitter. Criteria: Natera Variant Classification Schema (03/2026). Collection method: clinical testing. Allele origin: germline.
Comment: The c.1528dupA variant in GBA1 is a frameshift variant predicted to elongate the protein beyond the termination codon. This variant is expected to result in nonsense mediated decay, truncation, or a dysfunctional protein product. This variant is rare in the general population with a frequency below the threshold expected for the associated phenotype(s). Given the available evidence, this variant is classified as Likely Pathogenic.

NM_000157.4(GBA1):c.1528dup (p.Thr510fs)

Genes: GBA1 (glucosylceramidase beta 1; minus strand), LOC106627981 (GBA recombination region; plus strand). Cytogenetic location: 1q22.
Variant type: Duplication.
Coding change: c.1528dup on transcript NM_000157.4 (MANE Select); coding-DNA position 1528, one base duplicated (A; older notation c.1528dupA).
Protein change: p.Thr510fs; shifts the reading frame from threonine 510.
Molecular consequence: frameshift variant.
Genome position (GRCh38, 1-based): chr1:155,235,078, T duplicated on the plus strand (A on the coding strand, the reverse complement: GBA1 is on the minus strand). VCF-style (leftmost placement, unchanged base first): chr1-155235077-G-GT. GRCh37 (hg19) VCF-style: chr1-155204868-G-GT.
Other names: c.1528dup, p.Thr510fs (NM_001005741.3, NM_001005742.3); c.1267dup, p.Thr423fs (NM_001171811.2); c.1381dup, p.Thr461fs (NM_001171812.2); short protein forms T423fs, T461fs, T510fs.
Identifiers: ClinVar variation 4817737 (VCV004817737.1).